The following is an entry in ClinVar:

ClinVar aggregate classification (germline): Uncertain significance (1 of 4 stars; one submission).

Submission:

GeneDx
Classification: Uncertain significance. Last evaluated: 2025-10-16. Review status: criteria provided, single submitter. Criteria: GeneDx Variant Classification Process June 2021. Collection method: clinical testing. Allele origin: germline. Affected: yes.
Comment: Has not been previously published as pathogenic or benign to our knowledge; In silico analysis suggests that this variant does not alter protein structure/function; Not observed at significant frequency in large population cohorts (gnomAD)

NM_000168.6(GLI3):c.4070_4071inv (p.Tyr1357Cys)

Gene: GLI3 (GLI family zinc finger 3; minus strand). Cytogenetic location: 7p14.1.
Variant type: Inversion.
Coding change: c.4070_4071inv on transcript NM_000168.6 (MANE Select).
Protein change: p.Tyr1357Cys; replaces tyrosine 1357 with cysteine.
Molecular consequence: missense variant.
Genome position: GRCh38 VCF-style: chr7-41965002-GT-AC. GRCh37 (hg19) VCF-style: chr7-42004600-GT-AC.
Other names: short protein forms Y1357C.
Identifiers: ClinVar variation 3370996 (VCV003370996.2).